The following is an entry in ClinVar:

ClinVar aggregate classification (germline): Uncertain significance (1 of 4 stars; one submission).

Conditions:
Familial thoracic aortic aneurysm and aortic dissection (TAAD). Also called: Thoracic aortic aneurysms and dissections. Identifiers: Orphanet 91387, MedGen C4707243, MONDO:0019625.

Allele frequency attached by ClinVar (database versions not stated): gnomAD exomes below 0.00001; ExAC 0.00001.
gnomAD v4.1: 1 of 1,614,192 alleles (0.000062%); highest among the groups gnomAD compares: Admixed American, 0.0017%; no homozygotes.

Submission:

Ambry Genetics
Classification: Uncertain significance for Familial thoracic aortic aneurysm and aortic dissection. Last evaluated: 2021-04-13. Review status: criteria provided, single submitter. Criteria: Ambry Variant Classification Scheme 2023. Collection method: clinical testing. Allele origin: germline.
Comment: The p.E256K variant (also known as c.766G>A), located in coding exon 5 of the TGFB3 gene, results from a G to A substitution at nucleotide position 766. The glutamic acid at codon 256 is replaced by lysine, an amino acid with similar properties. This amino acid position is well conserved in available vertebrate species. In addition, this alteration is predicted to be tolerated by in silico analysis. Since supporting evidence is limited at this time, the clinical significance of this alteration remains unclear.

NM_003239.5(TGFB3):c.766G>A (p.Glu256Lys)

Gene: TGFB3 (transforming growth factor beta 3; minus strand). Cytogenetic location: 14q24.3.
Variant type: single nucleotide variant.
Coding change: c.766G>A on transcript NM_003239.5 (MANE Select); coding-DNA position 766, G replaced by A.
Protein change: p.Glu256Lys; replaces glutamic acid 256 with lysine.
Molecular consequence: missense variant.
Genome position (GRCh38, 1-based): chr14:75,963,476, C>T on the plus strand (G>A on the coding strand, the complement: TGFB3 is on the minus strand). VCF-style: chr14-75963476-C-T. GRCh37 (hg19) VCF-style: chr14-76429819-C-T.
Other names: c.766G>A, p.Glu256Lys (NM_001329938.2, NM_001329939.2); short protein forms E256K.
Identifiers: ClinVar variation 1760068 (VCV001760068.2), dbSNP rs752984800, ClinGen allele CA7280339.
Genomic context (GRCh38, chr14:75,963,476, plus strand): 5'-GGTTGTGGTGATCCTTCTGCTTCTTGAGGCGCCCCAGATCTCCACGGCCATGGTCATCCT[C>T]ATTGTCCACGCCTGAAGAAGGGAAGGAAAGTGACAATCTCCTGTCTGAAGAGAGCAGAGC-3'
Protein context (NP_003230.1, residues 246-266): MEIKFKGVDN[Glu256Lys]DDHGRGDLGR